The following is an entry in ClinVar:

ClinVar aggregate classification (germline): Uncertain significance (1 of 4 stars; one submission).

Conditions:
Intellectual developmental disorder, X-linked, syndromic, Raymond type. Also called: Syndromic X-linked intellectual disability Raymond type. Identifiers: MedGen C3275406, MONDO:0010427, OMIM 300799.

Submission:

Labcorp Genetics (formerly Invitae), Labcorp
Classification: Uncertain significance for Intellectual developmental disorder, X-linked, syndromic, Raymond type. Last evaluated: 2023-12-12. Review status: criteria provided, single submitter. Criteria: Invitae Variant Classification Sherloc (09022015). Collection method: clinical testing. Allele origin: germline.
Comment: This sequence change replaces valine, which is neutral and non-polar, with isoleucine, which is neutral and non-polar, at codon 62 of the ZDHHC9 protein (p.Val62Ile). This variant is not present in population databases (gnomAD no frequency). This variant has not been reported in the literature in individuals affected with ZDHHC9-related conditions. Advanced modeling of protein sequence and biophysical properties (such as structural, functional, and spatial information, amino acid conservation, physicochemical variation, residue mobility, and thermodynamic stability) performed at Invitae indicates that this missense variant is not expected to disrupt ZDHHC9 protein function with a negative predictive value of 80%. In summary, the available evidence is currently insufficient to determine the role of this variant in disease. Therefore, it has been classified as a Variant of Uncertain Significance.

NM_016032.4(ZDHHC9):c.184G>A (p.Val62Ile)

Gene: ZDHHC9 (zDHHC palmitoyltransferase 9; minus strand). Cytogenetic location: Xq26.1.
Variant type: single nucleotide variant.
Coding change: c.184G>A on transcript NM_016032.4 (MANE Select); coding-DNA position 184, G replaced by A.
Protein change: p.Val62Ile; replaces valine 62 with isoleucine.
Molecular consequence: missense variant.
Genome position (GRCh38, 1-based): chrX:129,829,125, C>T on the plus strand (G>A on the coding strand, the complement: ZDHHC9 is on the minus strand). VCF-style: chrX-129829125-C-T. GRCh37 (hg19) VCF-style: chrX-128963101-C-T.
Other names: c.184G>A, p.Val62Ile (NM_001008222.3); short protein forms V62I.
Identifiers: ClinVar variation 2702438 (VCV002702438.3), dbSNP rs2522219003, ClinGen allele CA414593353.